The following is an entry in ClinVar:

NM_001371623.1(TCOF1):c.4303_4307del (p.Ser1435fs)

Gene: TCOF1 (treacle ribosome biogenesis factor 1; plus strand). Cytogenetic location: 5q32.
Variant type: Deletion.
Coding change: c.4303_4307del on transcript NM_001371623.1 (MANE Select); coding-DNA positions 4303 to 4307, 5 bases deleted (AGCAA; older notation c.4303_4307delAGCAA).
Protein change: p.Ser1435fs; shifts the reading frame from serine 1435.
Molecular consequence: frameshift variant.
Genome position (GRCh38, 1-based): chr5:150,396,800-150,396,804, AGCAA deleted; deleting any 5 consecutive bases within chr5:150,396,797-150,396,804 gives the same sequence; the c. name uses the placement nearest the transcript's 3' end. VCF-style (leftmost placement, unchanged base first): chr5-150396796-TCAAAG-T. GRCh37 (hg19) VCF-style: chr5-149776359-TCAAAG-T.
Other names: c.4069_4073del, p.Ser1357fs (NM_000356.4); c.4300_4304del, p.Ser1434fs (NM_001135243.2); c.4189_4193del, p.Ser1397fs (NM_001135244.2); c.4072_4076del, p.Ser1358fs (NM_001135245.2); c.4186_4190del, p.Ser1396fs (NM_001195141.2); c.4300_4304delAGCAA (NM_001135243.1); short protein forms S1396fs, S1357fs, S1358fs, S1397fs, S1434fs, S1435fs.
Identifiers: ClinVar variation 818009 (VCV000818009.1), dbSNP rs1581226008, ClinGen allele CA915942666.

ClinVar aggregate classification (germline): Likely pathogenic (1 of 4 stars; one submission).

Submission:

GeneDx
Classification: Likely pathogenic. Last evaluated: 2019-02-19. Review status: criteria provided, single submitter. Criteria: GeneDx Variant Classification (06012015). Collection method: clinical testing. Allele origin: germline. Affected: yes.
Comment: The c.4300_4304delAGCAA variant has not been published as a pathogenic variant, nor has it been reported as a benign variant to our knowledge. The variant is not observed in large population cohorts (Lek et al., 2016). It causes a frameshift starting with codon Serine 1434, changes this amino acid to a Proline residue and creates a premature Stop codon at position 35 of the new reading frame, denoted p.Ser1434ProfsX35. This variant is predicted to cause loss of normal protein function through protein truncation. We interpret this variant as likely pathogenic.